The following is an entry in ClinVar:

NM_014946.4(SPAST):c.113C>T (p.Pro38Leu)

Gene: SPAST (spastin; plus strand). Cytogenetic location: 2p22.3.
Variant type: single nucleotide variant.
Coding change: c.113C>T on transcript NM_014946.4 (MANE Select); coding-DNA position 113, C replaced by T.
Protein change: p.Pro38Leu; replaces proline 38 with leucine.
Molecular consequence: missense variant.
Genome position (GRCh38, 1-based): chr2:32,063,944, C>T. VCF-style: chr2-32063944-C-T. GRCh37 (hg19) VCF-style: chr2-32289013-C-T.
Other names: c.113C>T, p.Pro38Leu (NM_001363823.2, NM_001363875.2, NM_001377959.1 and 1 more transcripts); short protein forms P38L.
Identifiers: ClinVar variation 897737 (VCV000897737.13), dbSNP rs1041662261, ClinGen allele CA346601380.

ClinVar aggregate classification (germline): Uncertain significance. Review status: criteria provided, multiple submitters, no conflicts (2 of 4 stars). 2 submissions from 2 submitters: Uncertain significance (2). Last evaluated 2020-01-23.

Conditions:
Hereditary spastic paraplegia 4. Also called: Spastic Paraplegia 4; Spastic paraplegia 4, autosomal dominant; Familial spastic paraplegia autosomal dominant 2. Identifiers: Orphanet 100985, MedGen C1866855, MONDO:0008438, OMIM 182601.

Allele frequency attached by ClinVar (database versions not stated): gnomAD exomes below 0.00001.
gnomAD v4.1: 6 of 1,608,664 alleles (0.00037%); highest among the groups gnomAD compares: African/African-American, 0.0013%; no homozygotes.

Submissions (2):

Labcorp Genetics (formerly Invitae), Labcorp
Classification: Uncertain significance for Hereditary spastic paraplegia 4. Last evaluated: 2020-01-23. Review status: criteria provided, single submitter. Criteria: Invitae Variant Classification Sherloc (09022015). Collection method: clinical testing. Allele origin: germline.
Comment: This sequence change replaces proline with leucine at codon 38 of the SPAST protein (p.Pro38Leu). The proline residue is weakly conserved and there is a moderate physicochemical difference between proline and leucine. This variant is not present in population databases (ExAC no frequency). This variant has not been reported in the literature in individuals with SPAST-related conditions. Algorithms developed to predict the effect of missense changes on protein structure and function are either unavailable or do not agree on the potential impact of this missense change (SIFT: "Tolerated"; PolyPhen-2: "Not Available"; Align-GVGD: "Class C0"). In summary, the available evidence is currently insufficient to determine the role of this variant in disease. Therefore, it has been classified as a Variant of Uncertain Significance.

Illumina Laboratory Services, Illumina
Classification: Uncertain significance for Hereditary spastic paraplegia 4. Last evaluated: 2018-02-02. Review status: criteria provided, single submitter. Criteria: ICSL Variant Classification Criteria 13 December 2019. Collection method: clinical testing. Allele origin: germline.